The following is an entry in ClinVar:

NM_000179.3(MSH6):c.522_523del (p.Arg174fs)

Gene: MSH6 (mutS homolog 6; plus strand). Cytogenetic location: 2p16.3.
Variant type: Microsatellite.
Coding change: c.522_523del on transcript NM_000179.3 (MANE Select); coding-DNA positions 522 to 523, 2 bases deleted (AG; older notation c.522_523delAG).
Protein change: p.Arg174fs; shifts the reading frame from arginine 174.
Molecular consequence: frameshift variant. On other transcripts: 5 prime UTR variant (1), intron variant (2).
Genome position (GRCh38, 1-based): chr2:47,795,958-47,795,959, AG deleted; deleting any 2 consecutive bases within chr2:47,795,955-47,795,959 gives the same sequence; the c. name uses the placement nearest the transcript's 3' end. VCF-style (leftmost placement, unchanged base first): chr2-47795954-TGA-T. GRCh37 (hg19) VCF-style: chr2-48023093-TGA-T.
Other names: c.-383AG[1] (NM_001281494.2); c.-279-2653_-279-2652del (NM_001281493.2); c.238-2653_238-2652del (NM_001281492.2); c.522_523delAG (NM_000179.2); short protein forms R174fs.
Identifiers: ClinVar variation 89537 (VCV000089537.5), dbSNP rs267608037, ClinGen allele CA015775.
Genomic context (GRCh38, chr2:47,795,954, plus strand): 5'-GTTCAAAATCAAAGGAAGCCCAGAAGGGAGGTCATTTTTACAGTGCAAAGCCTGAAATAC[TGA>T]GAGCAATGCAACGTGCAGATGAAGCCTTAAATAAAGACAAGATTAAGAGGCTTGAATTGG-3'

ClinVar aggregate classification (germline): Pathogenic. Review status: reviewed by expert panel (3 of 4 stars). 4 submissions from 4 submitters: Pathogenic (1). 3 of the submissions do not count toward it. Last evaluated 2013-09-05.

Conditions:
Lynch syndrome. Identifiers: Orphanet 144, MedGen C4552100, MONDO:0005835. Disease mechanism: loss of function.
Hereditary nonpolyposis colorectal neoplasms. Identifiers: MedGen C0009405, MeSH D003123.
Lynch syndrome 5 (LYNCH5). Also called: Colorectal cancer, hereditary nonpolyposis, type 5; Hereditary non-polyposis colorectal cancer, type 5. Identifiers: Orphanet 144, MedGen C1833477, MONDO:0013710, OMIM 614350. Disease mechanism: loss of function.
Hereditary cancer-predisposing syndrome. Also called: Tumor predisposition; Hereditary Cancer Syndrome; Hereditary neoplastic syndrome; Neoplastic Syndromes, Hereditary. Identifiers: Orphanet 140162, MedGen C0027672, MeSH D009386, MONDO:0015356.

Submissions (4):

International Society for Gastrointestinal Hereditary Tumours (InSiGHT)
Classification: Pathogenic for Lynch Syndrome. Last evaluated: 2013-09-05. Review status: reviewed by expert panel. Criteria: Guidelines v1.9. Collection method: research. Allele origin: germline.
Comment: Coding sequence variation resulting in a stop codon

Classified with v1.9 guidelines

Labcorp Genetics (formerly Invitae), Labcorp
Classification: Pathogenic for Hereditary nonpolyposis colorectal neoplasms. Last evaluated: 2025-04-02. Review status: criteria provided, single submitter. Criteria: Invitae Variant Classification Sherloc (09022015). Collection method: clinical testing. Allele origin: germline. Not counted in ClinVar's aggregate classification.
Comment: This sequence change creates a premature translational stop signal (p.Arg174Serfs*7) in the MSH6 gene. It is expected to result in an absent or disrupted protein product. Loss-of-function variants in MSH6 are known to be pathogenic (PMID: 18269114, 24362816). This variant is not present in population databases (gnomAD no frequency). This premature translational stop signal has been observed in individual(s) with Lynch syndrome (PMID: 19324997). For these reasons, this variant has been classified as Pathogenic.

Ambry Genetics
Classification: Pathogenic for Hereditary cancer-predisposing syndrome. Last evaluated: 2023-12-27. Review status: criteria provided, single submitter. Criteria: Ambry Variant Classification Scheme 2023. Collection method: clinical testing. Allele origin: germline. Not counted in ClinVar's aggregate classification.
Comment: The c.522_523delAG pathogenic mutation, located in coding exon 3 of the MSH6 gene, results from a deletion of two nucleotides at nucleotide positions 522 to 523, causing a translational frameshift with a predicted alternate stop codon (p.R174Sfs*7). This alteration is expected to result in loss of function by premature protein truncation or nonsense-mediated mRNA decay. This variant is considered to be rare based on population cohorts in the Genome Aggregation Database (gnomAD). As such, this alteration is interpreted as a disease-causing mutation.

Myriad Genetics, Inc.
Classification: Pathogenic for Lynch syndrome 5. Last evaluated: 2023-08-10. Review status: criteria provided, single submitter. Criteria: Myriad Autosomal Dominant, Autosomal Recessive and X-Linked Classification Criteria (2023). Collection method: clinical testing. Allele origin: unknown. Not counted in ClinVar's aggregate classification.
Comment: This variant is considered pathogenic. This variant creates a frameshift predicted to result in premature protein truncation.

Literature cited by the submitters: PubMed 18269114 (cited by Labcorp Genetics (formerly Invitae), Labcorp); PubMed 24362816 (cited by Labcorp Genetics (formerly Invitae), Labcorp); PubMed 19324997 (cited by Labcorp Genetics (formerly Invitae), Labcorp and Ambry Genetics).